The following is an entry in ClinVar:

ClinVar aggregate classification (germline): Conflicting classifications of pathogenicity. Review status: criteria provided, conflicting classifications (1 of 4 stars). 6 submissions from 5 submitters: Uncertain significance (2); Benign (2); Likely benign (1). 1 of the submissions does not count toward it. Last evaluated 2026-01-26.

Conditions:
Warburg micro syndrome 2 (WARBM2). Also called: MICRO SYNDROME 2. Identifiers: Orphanet 2510, MedGen C3280214, MONDO:0013641, OMIM 614225.
RAB3GAP2-related disorder. Also called: RAB3GAP2-related condition; RAB3GAP2-related disorders.
Martsolf syndrome (MARTS). Also called: Congenital cataract with intellectual disability and hypogonadotropic hypogonadism syndrome. Identifiers: Orphanet 1387, MedGen C0796037, MONDO:0023910.

Allele frequency attached by ClinVar (database versions not stated): 1000 Genomes Project 0.00060; 1000 Genomes Project 30x 0.00062; ESP Exome Variant Server 0.00062; ExAC 0.00086; gnomAD 0.00087 and 0.00090; TOPMed 0.00088; gnomAD exomes 0.00105.
gnomAD v4.1: 1,458 of 1,576,580 alleles (0.092%); highest among the groups gnomAD compares: Middle Eastern, 1.6%; 3 homozygotes.

Submissions (6):

Labcorp Genetics (formerly Invitae), Labcorp
Classification: Benign for Martsolf syndrome; Warburg micro syndrome 2. Last evaluated: 2026-01-26. Review status: criteria provided, single submitter. Criteria: Invitae Variant Classification Sherloc (09022015). Collection method: clinical testing. Allele origin: germline.

Blueprint Genetics
Classification: Likely benign. Last evaluated: 2024-11-25. Review status: criteria provided, single submitter. Criteria: ACMG Guidelines, 2015. Collection method: clinical testing. Allele origin: germline.

Illumina Laboratory Services, Illumina
Classification: Uncertain significance for Warburg micro syndrome 2. Last evaluated: 2018-01-12. Review status: criteria provided, single submitter. Criteria: ICSL Variant Classification Criteria 13 December 2019. Collection method: clinical testing. Allele origin: germline.

Illumina Laboratory Services, Illumina
Classification: Uncertain significance for Martsolf syndrome 1. Last evaluated: 2018-01-12. Review status: criteria provided, single submitter. Criteria: ICSL Variant Classification Criteria 13 December 2019. Collection method: clinical testing. Allele origin: germline.

GeneDx
Classification: Benign. Last evaluated: 2015-07-20. Review status: criteria provided, single submitter. Criteria: GeneDx Variant Classification (06012015). Collection method: clinical testing. Allele origin: germline. Affected: yes.
Comment: This variant is considered likely benign or benign based on one or more of the following criteria: it is a conservative change, it occurs at a poorly conserved position in the protein, it is predicted to be benign by multiple in silico algorithms, and/or has population frequency not consistent with disease.

PreventionGenetics, part of Exact Sciences
Classification: Likely benign for RAB3GAP2-related condition. Last evaluated: 2021-06-18. Review status: no assertion criteria provided. Collection method: clinical testing. Allele origin: germline. Not counted in ClinVar's aggregate classification.
Comment: This variant is classified as likely benign based on ACMG/AMP sequence variant interpretation guidelines (Richards et al. 2015 PMID: 25741868, with internal and published modifications).

NM_012414.4(RAB3GAP2):c.3867+13C>T

Gene: RAB3GAP2 (RAB3 GTPase activating non-catalytic protein subunit 2; minus strand). Cytogenetic location: 1q41.
Variant type: single nucleotide variant.
Coding change: c.3867+13C>T on transcript NM_012414.4 (MANE Select); 13 bases into the intron after coding-DNA position 3867, C replaced by T.
Molecular consequence: intron variant.
Genome position (GRCh38, 1-based): chr1:220,153,172, G>A on the plus strand (C>T on the coding strand, the complement: RAB3GAP2 is on the minus strand). VCF-style: chr1-220153172-G-A. GRCh37 (hg19) VCF-style: chr1-220326514-G-A.
Identifiers: ClinVar variation 295640 (VCV000295640.15), dbSNP rs200579008, ClinGen allele CA1402033.
Genomic context (GRCh38, chr1:220,153,172, plus strand): 5'-CTTAACTGATTCTTTATTCCAACTATCAATTTTATAACTTGAGCCCAATTAACATTCAAA[G>A]GGTCATGATTACCTCTTCTCCTAAGTGGTCAACTCCATAGTTGTATAGTTCCCCCACATA-3'